The following is an entry in ClinVar:

NM_015662.3(IFT172):c.4677G>C (p.Arg1559Ser)

Genes: IFT172 (intraflagellar transport 172; minus strand), KRTCAP3 (keratinocyte associated protein 3; plus strand). Cytogenetic location: 2p23.3.
Variant type: single nucleotide variant.
Coding change: c.4677G>C on transcript NM_015662.3 (MANE Select); coding-DNA position 4677, G replaced by C.
Protein change: p.Arg1559Ser; replaces arginine 1559 with serine.
Molecular consequence: missense variant. On other transcripts: 3 prime UTR variant (1).
Genome position (GRCh38, 1-based): chr2:27,446,338, C>G on the plus strand (G>C on the coding strand, the complement: IFT172 is on the minus strand). VCF-style: chr2-27446338-C-G. GRCh37 (hg19) VCF-style: chr2-27669205-C-G.
Other names: c.4677G>C (NM_015662.1); c.*43C>G (NM_001168364.2); c.4611G>C, p.Arg1537Ser (NM_001410739.1); short protein forms R1559S, R1537S.
Identifiers: ClinVar variation 662250 (VCV000662250.11), dbSNP rs777980611, ClinGen allele CA1579516.
Genomic context (GRCh38, chr2:27,446,338, plus strand): 5'-TTCATAGAAGGCTTTGTCTACAGGTAGTAGCTGGGTGTGACGCAAGAGTGAAACAGAAAG[C>G]CTGGCAGCCACGGTTTCCTGGGATTAAAGTCAAAGCATTATGAATATGGCACTAAAGTGA-3'
Protein context (NP_056477.1, residues 1549-1569): SVKQLETVAA[Arg1559Ser]LSVSLLRHTQ

ClinVar aggregate classification (germline): Uncertain significance. Review status: criteria provided, multiple submitters, no conflicts (2 of 4 stars). 5 submissions from 5 submitters: Uncertain significance (5). Last evaluated 2025-11-26.

Conditions:
IFT172-related disorder. Also called: IFT172-related disorders; IFT172-related condition.
Short-rib thoracic dysplasia 10 with or without polydactyly (SRTD10). Identifiers: Orphanet 474, MedGen C3810175, MONDO:0014284, OMIM 615630.
Retinitis pigmentosa 71 (RP71). Identifiers: Orphanet 791, MedGen C4225342, MONDO:0014618, OMIM 616394.
Bardet-Biedl syndrome 20. Identifiers: MedGen C4310707, MONDO:0023670, OMIM 619471, MONDO:0014926.
Inborn genetic diseases. Identifiers: MedGen C0950123, MeSH D030342.

Allele frequency attached by ClinVar (database versions not stated): ExAC 0.00002; TOPMed 0.00001; gnomAD exomes 0.00002 and 0.00001; gnomAD 0.00001.
gnomAD v4.1: 7 of 1,614,092 alleles (0.00043%); highest among the groups gnomAD compares: Admixed American, 0.012%; no homozygotes.

Submissions (5):

PreventionGenetics, part of Exact Sciences
Classification: Uncertain significance for IFT172-related condition. Last evaluated: 2025-11-26. Review status: criteria provided, single submitter. Criteria: ACMG Guidelines, 2015. Collection method: clinical testing. Allele origin: germline.
Comment: The IFT172 c.4677G>C variant is predicted to result in the amino acid substitution p.Arg1559Ser. To our knowledge, this variant has not been reported in the literature. This variant is reported in 0.017% of alleles in individuals of Latino descent in gnomAD. At this time, the clinical significance of this variant is uncertain due to the absence of conclusive functional and genetic evidence.

GeneDx
Classification: Uncertain significance. Last evaluated: 2024-07-05. Review status: criteria provided, single submitter. Criteria: GeneDx Variant Classification Process June 2021. Collection method: clinical testing. Allele origin: germline. Affected: yes.
Comment: In silico analysis indicates that this missense variant does not alter protein structure/function; Has not been previously published as pathogenic or benign to our knowledge

Labcorp Genetics (formerly Invitae), Labcorp
Classification: Uncertain significance for Retinitis pigmentosa 71; Short-rib thoracic dysplasia 10 with or without polydactyly. Last evaluated: 2022-09-01. Review status: criteria provided, single submitter. Criteria: Invitae Variant Classification Sherloc (09022015). Collection method: clinical testing. Allele origin: germline.
Comment: This sequence change replaces arginine, which is basic and polar, with serine, which is neutral and polar, at codon 1559 of the IFT172 protein (p.Arg1559Ser). This variant is present in population databases (rs777980611, gnomAD 0.01%). This variant has not been reported in the literature in individuals affected with IFT172-related conditions. ClinVar contains an entry for this variant (Variation ID: 662250). Algorithms developed to predict the effect of missense changes on protein structure and function are either unavailable or do not agree on the potential impact of this missense change (SIFT: "Deleterious"; PolyPhen-2: "Benign"; Align-GVGD: "Class C0"). In summary, the available evidence is currently insufficient to determine the role of this variant in disease. Therefore, it has been classified as a Variant of Uncertain Significance.

Fulgent Genetics
Classification: Uncertain significance for Short-rib thoracic dysplasia 10 with or without polydactyly; Retinitis pigmentosa 71; Bardet-Biedl syndrome 20. Last evaluated: 2022-01-07. Review status: criteria provided, single submitter. Criteria: ACMG Guidelines, 2015. Collection method: clinical testing. Allele origin: unknown.

Ambry Genetics
Classification: Uncertain significance for Inborn genetic diseases. Last evaluated: 2021-06-30. Review status: criteria provided, single submitter. Criteria: Ambry Variant Classification Scheme 2023. Collection method: clinical testing. Allele origin: germline.